The following is an entry in ClinVar:

ClinVar aggregate classification (germline): Pathogenic/Likely pathogenic. Review status: criteria provided, multiple submitters, no conflicts (2 of 4 stars). 2 submissions from 2 submitters: Pathogenic (1); Likely pathogenic (1). Last evaluated 2025-10-02.

Conditions:
Combined malonic and methylmalonic acidemia. Identifiers: Orphanet 289504, MedGen C3280314, MONDO:0013661, OMIM 614265.

Submissions (2):

Natera, Inc.
Classification: Likely pathogenic for Combined malonic and methylmalonic aciduria. Last evaluated: 2025-10-02. Review status: criteria provided, single submitter. Criteria: Natera Variant Classification Schema (03/2026). Collection method: clinical testing. Allele origin: germline.
Comment: The c.1228_1229del variant in ACSF3 is a frameshift variant predicted to shift the reading frame beginning at codon 410 and leads to a stop codon 9 codons downstream. This variant is expected to result in nonsense mediated decay, truncation, or a dysfunctional protein product. This variant is rare in the general population with a frequency below the threshold expected for the associated phenotype(s). Given the available evidence, this variant is classified as Likely Pathogenic.

Labcorp Genetics (formerly Invitae), Labcorp
Classification: Pathogenic for Combined malonic and methylmalonic acidemia. Last evaluated: 2024-02-17. Review status: criteria provided, single submitter. Criteria: Invitae Variant Classification Sherloc (09022015). Collection method: clinical testing. Allele origin: germline.
Comment: This sequence change creates a premature translational stop signal (p.Arg410Glyfs*9) in the ACSF3 gene. It is expected to result in an absent or disrupted protein product. Loss-of-function variants in ACSF3 are known to be pathogenic (PMID: 21841779, 26827111). This variant is not present in population databases (gnomAD no frequency). This variant has not been reported in the literature in individuals affected with ACSF3-related conditions. For these reasons, this variant has been classified as Pathogenic.

Literature cited by the submitters: PubMed 21841779 (cited by Labcorp Genetics (formerly Invitae), Labcorp); PubMed 26827111 (cited by Labcorp Genetics (formerly Invitae), Labcorp).

NM_001243279.3(ACSF3):c.1228_1229del (p.Arg410fs)

Gene: ACSF3 (acyl-CoA synthetase family member 3; plus strand). Cytogenetic location: 16q24.3.
Variant type: Microsatellite.
Coding change: c.1228_1229del on transcript NM_001243279.3 (MANE Select); coding-DNA positions 1228 to 1229, 2 bases deleted (AG; older notation c.1228_1229delAG).
Protein change: p.Arg410fs; shifts the reading frame from arginine 410.
Molecular consequence: frameshift variant. On other transcripts: non-coding transcript variant (3).
Genome position (GRCh38, 1-based): chr16:89,120,902-89,120,903, AG deleted; deleting any 2 consecutive bases within chr16:89,120,899-89,120,903 gives the same sequence; the c. name uses the placement nearest the transcript's 3' end. VCF-style (leftmost placement, unchanged base first): chr16-89120898-CGA-C. GRCh37 (hg19) VCF-style: chr16-89187306-CGA-C.
Other names: c.1228_1229del, p.Arg410fs (NM_001127214.4, NM_174917.5); c.433_434del, p.Arg145fs (NM_001284316.2); c.1228_1229del (NM_174917.4); short protein forms R145fs, R410fs.
Identifiers: ClinVar variation 1983681 (VCV001983681.5), dbSNP rs2151479069, ClinGen allele CA2580613924.